The following is an entry in ClinVar:

ClinVar aggregate classification (germline): Uncertain significance. Review status: criteria provided, multiple submitters, no conflicts (2 of 4 stars). 3 submissions from 3 submitters: Uncertain significance (3). Last evaluated 2025-12-24.

Conditions:
Familial adenomatous polyposis 1 (FAP1). Also called: POLYPOSIS, ADENOMATOUS INTESTINAL; FAMILIAL ADENOMATOUS POLYPOSIS 1, ATTENUATED. Identifiers: MedGen C2713442, MONDO:0021056, OMIM 175100. Disease mechanism: loss of function.

Submissions (3):

Dasa
Classification: Uncertain significance. Last evaluated: 2025-12-24. Review status: criteria provided, single submitter. Criteria: DASA Assertion Criteria. Collection method: clinical testing. Allele origin: germline.
Comment: NM_000038.6(APC):c.302G>A (p.Gly101Glu) is a missense variant that results in the substitution of glycine with glutamic acid. This variant is absent from population databases. The currently available literature and clinical evidence are not sufficient to establish a definitive association between this variant and the reported condition. Therefore, this variant is classified as a variant of uncertain significance.

Labcorp Genetics (formerly Invitae), Labcorp
Classification: Uncertain significance for Familial adenomatous polyposis 1. Last evaluated: 2023-06-11. Review status: criteria provided, single submitter. Criteria: Invitae Variant Classification Sherloc (09022015). Collection method: clinical testing. Allele origin: germline.
Comment: In summary, the available evidence is currently insufficient to determine the role of this variant in disease. Therefore, it has been classified as a Variant of Uncertain Significance. Advanced modeling of protein sequence and biophysical properties (such as structural, functional, and spatial information, amino acid conservation, physicochemical variation, residue mobility, and thermodynamic stability) performed at Invitae indicates that this missense variant is not expected to disrupt APC protein function. ClinVar contains an entry for this variant (Variation ID: 584657). This variant has not been reported in the literature in individuals affected with APC-related conditions. This variant is not present in population databases (gnomAD no frequency). This sequence change replaces glycine, which is neutral and non-polar, with glutamic acid, which is acidic and polar, at codon 101 of the APC protein (p.Gly101Glu).

Mendelics
Classification: Uncertain significance for Familial adenomatous polyposis 1. Last evaluated: 2018-07-02. Review status: criteria provided, single submitter. Criteria: Mendelics Assertion Criteria 2017. Collection method: clinical testing. Allele origin: unknown.

NM_000038.6(APC):c.302G>A (p.Gly101Glu)

Gene: APC (APC regulator of Wnt signaling pathway; plus strand). Cytogenetic location: 5q22.2.
Variant type: single nucleotide variant.
Coding change: c.302G>A on transcript NM_000038.6 (MANE Select); coding-DNA position 302, G replaced by A.
Protein change: p.Gly101Glu; replaces glycine 101 with glutamic acid.
Molecular consequence: missense variant. On other transcripts: 5 prime UTR variant (1).
Genome position (GRCh38, 1-based): chr5:112,767,270, G>A. VCF-style: chr5-112767270-G-A. GRCh37 (hg19) VCF-style: chr5-112102967-G-A.
Other names: c.302G>A, p.Gly101Glu (NM_001127510.3, NM_001354895.2, NM_001354896.2 and 2 more transcripts); c.332G>A, p.Gly111Glu (NM_001127511.3, NM_001354897.2, NM_001354902.2); c.227G>A, p.Gly76Glu (NM_001354898.2, NM_001354904.2); c.125G>A, p.Gly42Glu (NM_001354900.2, NM_001354901.2, NM_001354905.2); c.-734G>A (NM_001354906.2); short protein forms G101E, G111E, G76E, G42E.
Identifiers: ClinVar variation 584657 (VCV000584657.8), dbSNP rs954713888, ClinGen allele CA16021988.
Genomic context (GRCh38, chr5:112,767,270, plus strand): 5'-ATTTCCCTGGAGTAAAACTGCGGTCAAAAATGTCCCTCCGTTCTTATGGAAGCCGGGAAG[G>A]ATCTGTATCAAGCCGTTCTGGAGAGTGCAGTCCTGTTCCTATGGGTTCATTTCCAAGAAG-3'
Protein context (NP_000029.2, residues 91-111): MSLRSYGSRE[Gly101Glu]SVSSRSGECS